The following is an entry in ClinVar:

NM_153610.5(CMYA5):c.7896C>T (p.Thr2632=)

Gene: CMYA5 (cardiomyopathy associated 5; plus strand). Cytogenetic location: 5q14.1.
Variant type: single nucleotide variant.
Coding change: c.7896C>T on transcript NM_153610.5 (MANE Select); coding-DNA position 7896, C replaced by T.
Protein change: p.Thr2632=; no amino-acid change (threonine 2632 retained).
Molecular consequence: synonymous variant.
Genome position (GRCh38, 1-based): chr5:79,736,661, C>T. VCF-style: chr5-79736661-C-T. GRCh37 (hg19) VCF-style: chr5-79032484-C-T.
Identifiers: ClinVar variation 5039195 (VCV005039195.1).

ClinVar aggregate classification (germline): Likely benign (1 of 4 stars; one submission).

Submission:

CeGaT Center for Human Genetics Tuebingen
Classification: Likely benign. Last evaluated: 2026-07-01. Review status: criteria provided, single submitter. Criteria: CeGaT Center For Human Genetics Tuebingen Variant Classification Criteria Version 2. Collection method: clinical testing. Allele origin: germline. Affected: yes. Observed: 1 variant allele.
Comment: CMYA5: BP4, BP7